The following is an entry in ClinVar:

NM_003072.5(SMARCA4):c.4636-7T>C

Gene: SMARCA4 (SWI/SNF related BAF chromatin remodeling complex subunit ATPase 4; plus strand). Cytogenetic location: 19p13.2.
Variant type: single nucleotide variant.
Coding change: c.4636-7T>C on transcript NM_003072.5 (MANE Select); 7 bases into the intron before coding-DNA position 4636, T replaced by C.
Molecular consequence: intron variant.
Genome position (GRCh38, 1-based): chr19:11,059,746, T>C. VCF-style: chr19-11059746-T-C. GRCh37 (hg19) VCF-style: chr19-11170422-T-C.
Other names: c.4636-7T>C (NM_001128844.3); c.4732-7T>C (NM_001128849.3, NM_001387283.1); c.4537-7T>C (NM_001128847.4, NM_001374457.1); c.4633-7T>C (NM_001411150.1); c.4546-7T>C (NM_001128845.2); c.4543-7T>C (NM_001128846.2); c.4534-7T>C (NM_001128848.2).
Identifiers: ClinVar variation 3053629 (VCV003053629.2), dbSNP rs2147112540, ClinGen allele CA2740091871.

ClinVar aggregate classification (germline): Likely benign (0 of 4 stars; one submission).

Conditions:
SMARCA4-related disorder. Also called: SMARCA4-related condition.

Submission:

PreventionGenetics, part of Exact Sciences
Classification: Likely benign for SMARCA4-related condition. Last evaluated: 2022-10-19. Review status: no assertion criteria provided. Collection method: clinical testing. Allele origin: germline.
Comment: This variant is classified as likely benign based on ACMG/AMP sequence variant interpretation guidelines (Richards et al. 2015 PMID: 25741868, with internal and published modifications).